The following is an entry in ClinVar:

NM_001036.6(RYR3):c.6208A>G (p.Met2070Val)

Gene: RYR3 (ryanodine receptor 3; plus strand). Cytogenetic location: 15q14.
Variant type: single nucleotide variant.
Coding change: c.6208A>G on transcript NM_001036.6 (MANE Select); coding-DNA position 6208, A replaced by G.
Protein change: p.Met2070Val; replaces methionine 2070 with valine.
Molecular consequence: missense variant.
Genome position (GRCh38, 1-based): chr15:33,697,955, A>G. VCF-style: chr15-33697955-A-G. GRCh37 (hg19) VCF-style: chr15-33990156-A-G.
Other names: RYR3, MET2070VAL (rs769938343); c.6208A>G, p.Met2070Val (NM_001243996.4); short protein forms M2070V.
Identifiers: ClinVar variation 531058 (VCV000531058.14), dbSNP rs769938343, ClinGen allele CA7459480.

ClinVar aggregate classification (germline): Conflicting classifications of pathogenicity. Review status: criteria provided, conflicting classifications (1 of 4 stars). 3 submissions from 3 submitters: Likely pathogenic (1); Uncertain significance (1). 1 of the submissions does not count toward it. Last evaluated 2025-02-04.

Conditions:
Congenital myopathy 20 (CMYO20). Identifiers: MedGen C5830393, MONDO:0957215, OMIM 620310.
Epileptic encephalopathy. Identifiers: MedGen C0543888, HP:0200134.

Allele frequency attached by ClinVar (database versions not stated): gnomAD 0.00003; TOPMed 0.00004; gnomAD exomes 0.00006 and 0.00014; ExAC 0.00013.
gnomAD v4.1: 98 of 1,613,664 alleles (0.0061%); highest among the groups gnomAD compares: South Asian, 0.075%; no homozygotes.

Submissions (3):

First Genomix Gene Laboratory, Genetic Diagnostics Department
Classification: Likely pathogenic for Congenital myopathy 20. Last evaluated: 2025-02-04. Review status: criteria provided, single submitter. Criteria: ACMG Guidelines, 2015. Collection method: clinical testing. Allele origin: germline. Inheritance: Autosomal recessive inheritance. Affected: no. Observed: 1 variant allele.

Labcorp Genetics (formerly Invitae), Labcorp
Classification: Uncertain significance for Epileptic encephalopathy. Last evaluated: 2022-08-09. Review status: criteria provided, single submitter. Criteria: Invitae Variant Classification Sherloc (09022015). Collection method: clinical testing. Allele origin: germline.
Comment: In summary, the available evidence is currently insufficient to determine the role of this variant in disease. Therefore, it has been classified as a Variant of Uncertain Significance. Algorithms developed to predict the effect of missense changes on protein structure and function are either unavailable or do not agree on the potential impact of this missense change (SIFT: "Deleterious"; PolyPhen-2: "Benign"; Align-GVGD: "Class C15"). ClinVar contains an entry for this variant (Variation ID: 531058). This variant has not been reported in the literature in individuals affected with RYR3-related conditions. This variant is present in population databases (rs769938343, gnomAD 0.09%), and has an allele count higher than expected for a pathogenic variant. This sequence change replaces methionine, which is neutral and non-polar, with valine, which is neutral and non-polar, at codon 2070 of the RYR3 protein (p.Met2070Val).

OMIM
Classification: Pathogenic for CONGENITAL MYOPATHY 20. Last evaluated: 2024-07-16. Review status: no assertion criteria provided. Collection method: literature only. Allele origin: germline. Not counted in ClinVar's aggregate classification.

Literature cited by the submitters: PubMed 29498452 (cited by OMIM).